The following is an entry in ClinVar:

ClinVar aggregate classification (germline): Uncertain significance. Review status: criteria provided, multiple submitters, no conflicts (2 of 4 stars). 2 submissions from 2 submitters: Uncertain significance (2). Last evaluated 2024-02-28.

Allele frequency attached by ClinVar (database versions not stated): gnomAD 0.00001; TOPMed 0.00002; gnomAD exomes 0.00004; ExAC 0.00005; ESP Exome Variant Server 0.00008.
gnomAD v4.1: 67 of 1,613,696 alleles (0.0042%); highest among the groups gnomAD compares: Admixed American, 0.005%; no homozygotes.

Submissions (2):

Women's Health and Genetics/Laboratory Corporation of America, LabCorp
Classification: Uncertain significance. Last evaluated: 2024-02-28. Review status: criteria provided, single submitter. Criteria: LabCorp Variant Classification Summary - May 2015. Collection method: clinical testing. Allele origin: germline.
Comment: Variant summary: MYH3 c.271A>G (p.Met91Val) results in a conservative amino acid change located in the Myosin head, motor domain (IPR001609) of the encoded protein sequence. Three of five in-silico tools predict a damaging effect of the variant on protein function. The variant allele was found at a frequency of 4e-05 in 251480 control chromosomes. To our knowledge, no occurrence of c.271A>G in individuals affected with MYH3-Related Disorders and no experimental evidence demonstrating its impact on protein function have been reported. ClinVar contains an entry for this variant (Variation ID: 1950200). Based on the evidence outlined above, the variant was classified as uncertain significance.

Labcorp Genetics (formerly Invitae), Labcorp
Classification: Uncertain significance. Last evaluated: 2023-10-17. Review status: criteria provided, single submitter. Criteria: Invitae Variant Classification Sherloc (09022015). Collection method: clinical testing. Allele origin: germline.
Comment: This sequence change replaces methionine, which is neutral and non-polar, with valine, which is neutral and non-polar, at codon 91 of the MYH3 protein (p.Met91Val). This variant is present in population databases (rs79952473, gnomAD 0.009%). This variant has not been reported in the literature in individuals affected with MYH3-related conditions. ClinVar contains an entry for this variant (Variation ID: 1950200). Advanced modeling of protein sequence and biophysical properties (such as structural, functional, and spatial information, amino acid conservation, physicochemical variation, residue mobility, and thermodynamic stability) performed at Invitae indicates that this missense variant is not expected to disrupt MYH3 protein function. In summary, the available evidence is currently insufficient to determine the role of this variant in disease. Therefore, it has been classified as a Variant of Uncertain Significance.

NM_002470.4(MYH3):c.271A>G (p.Met91Val)

Gene: MYH3 (myosin heavy chain 3; minus strand). Cytogenetic location: 17p13.1.
Variant type: single nucleotide variant.
Coding change: c.271A>G on transcript NM_002470.4 (MANE Select); coding-DNA position 271, A replaced by G.
Protein change: p.Met91Val; replaces methionine 91 with valine.
Molecular consequence: missense variant.
Genome position (GRCh38, 1-based): chr17:10,652,497, T>C on the plus strand (A>G on the coding strand, the complement: MYH3 is on the minus strand). VCF-style: chr17-10652497-T-C. GRCh37 (hg19) VCF-style: chr17-10555814-T-C.
Other names: short protein forms M91V.
Identifiers: ClinVar variation 1950200 (VCV001950200.7), dbSNP rs79952473, ClinGen allele CA8393352.